The following is an entry in ClinVar:

ClinVar aggregate classification (germline): Uncertain significance. Review status: criteria provided, multiple submitters, no conflicts (2 of 4 stars). 2 submissions from 2 submitters: Uncertain significance (2). Last evaluated 2025-06-10.

Conditions:
Inborn genetic diseases. Identifiers: MedGen C0950123, MeSH D030342.

Allele frequency attached by ClinVar (database versions not stated): gnomAD exomes 0.00002; gnomAD 0.00005; ExAC 0.00008.

Submissions (2):

Ambry Genetics
Classification: Uncertain significance for Inborn genetic diseases. Last evaluated: 2025-06-10. Review status: criteria provided, single submitter. Criteria: Ambry Variant Classification Scheme 2023. Collection method: clinical testing. Allele origin: germline.

Labcorp Genetics (formerly Invitae), Labcorp
Classification: Uncertain significance. Last evaluated: 2025-03-27. Review status: criteria provided, single submitter. Criteria: Invitae Variant Classification Sherloc (09022015). Collection method: clinical testing. Allele origin: germline.
Comment: This sequence change replaces arginine, which is basic and polar, with cysteine, which is neutral and slightly polar, at codon 459 of the ATP6V1A protein (p.Arg459Cys). This variant is present in population databases (rs769264993, gnomAD 0.06%). This variant has not been reported in the literature in individuals affected with ATP6V1A-related conditions. ClinVar contains an entry for this variant (Variation ID: 2415312). Invitae Evidence Modeling of protein sequence and biophysical properties (such as structural, functional, and spatial information, amino acid conservation, physicochemical variation, residue mobility, and thermodynamic stability) indicates that this missense variant is not expected to disrupt ATP6V1A protein function with a negative predictive value of 80%. In summary, the available evidence is currently insufficient to determine the role of this variant in disease. Therefore, it has been classified as a Variant of Uncertain Significance.

NM_001690.4(ATP6V1A):c.1375C>T (p.Arg459Cys)

Gene: ATP6V1A (ATPase H+ transporting V1 subunit A; plus strand). Cytogenetic location: 3q13.31.
Variant type: single nucleotide variant.
Coding change: c.1375C>T on transcript NM_001690.4 (MANE Select); coding-DNA position 1375, C replaced by T.
Protein change: p.Arg459Cys; replaces arginine 459 with cysteine.
Molecular consequence: missense variant.
Genome position (GRCh38, 1-based): chr3:113,798,327, C>T. VCF-style: chr3-113798327-C-T. GRCh37 (hg19) VCF-style: chr3-113517174-C-T.
Other names: c.1375C>T (NM_001690.3); short protein forms R459C.
Identifiers: ClinVar variation 2415312 (VCV002415312.7), dbSNP rs769264993, ClinGen allele CA2548041.